The following is an entry in ClinVar:

NM_000553.6(WRN):c.2974C>T (p.Gln992Ter)

Gene: WRN (WRN RecQ like helicase; plus strand). Cytogenetic location: 8p12.
Variant type: single nucleotide variant.
Coding change: c.2974C>T on transcript NM_000553.6 (MANE Select); coding-DNA position 2974, C replaced by T.
Protein change: p.Gln992Ter; replaces glutamine 992 with a stop codon.
Molecular consequence: nonsense.
Genome position (GRCh38, 1-based): chr8:31,141,436, C>T. VCF-style: chr8-31141436-C-T. GRCh37 (hg19) VCF-style: chr8-30998952-C-T.
Other names: short protein forms Q992*.
Identifiers: ClinVar variation 853066 (VCV000853066.6), dbSNP rs1802623856, ClinGen allele CA370921639.

ClinVar aggregate classification (germline): Pathogenic (1 of 4 stars; one submission).

Conditions:
Werner syndrome (WRN). Identifiers: Orphanet 902, MedGen C0043119, MONDO:0010196, OMIM 277700.

Submission:

Labcorp Genetics (formerly Invitae), Labcorp
Classification: Pathogenic for Werner syndrome. Last evaluated: 2023-09-10. Review status: criteria provided, single submitter. Criteria: Invitae Variant Classification Sherloc (09022015). Collection method: clinical testing. Allele origin: germline.
Comment: This sequence change creates a premature translational stop signal (p.Gln992*) in the WRN gene. It is expected to result in an absent or disrupted protein product. Loss-of-function variants in WRN are known to be pathogenic (PMID: 16673358). This variant is not present in population databases (gnomAD no frequency). This variant has not been reported in the literature in individuals affected with WRN-related conditions. ClinVar contains an entry for this variant (Variation ID: 853066). For these reasons, this variant has been classified as Pathogenic.

Literature cited by the submitters: PubMed 16673358.